The following is an entry in ClinVar:

ClinVar aggregate classification (germline): Pathogenic (3 of 4 stars; one submission).

Conditions:
Glanzmann thrombasthenia. Also called: PLATELET GLYCOPROTEIN IIb-IIIa DEFICIENCY; BLEEDING DISORDER, PLATELET-TYPE, 2; THROMBASTHENIA OF GLANZMANN AND NAEGELI; Thrombasthenia; Glanzmann's thrombasthenia. Identifiers: Orphanet 849, MedGen C0040015, MONDO:0100326.

Submission:

ClinGen Platelet Disorders Variant Curation Expert Panel, ClinGen
Classification: Pathogenic for Glanzmann thrombasthenia. Last evaluated: 2022-08-05. Review status: reviewed by expert panel. Criteria: ClinGen Platelet ACMG Specifications v2-1. Collection method: curation. Allele origin: germline. Inheritance: Autosomal recessive inheritance.
Comment: NM_000419.5(ITGA2B):c.832del (p.Asp278IlefsTer101) frameshift variant in exon 8 is predicted to cause a premature stop codon in biologically-relevant-exon 12/30 and is predicted to lead to nonsense mediated decay in a gene in which loss-of-function is an established disease mechanism (PVS1). At least one patient (GT47 in PMID: 25728920) with this variant displayed mucocutaneous bleeding and impaired aggregation with all agonists except ristocetin, which is highly specific for Glanzmann thrombasthenia. Additionally, αIIbβ3 surface expression was reduced to <5%, as measured by flow cytometry (PP4_strong). This variant is absent from gnomAD v2.1.1 (PM2_Supporting). In summary this variant meets criteria to be classified as Pathogenic for autosomal recessive Glanzmann Thrombasthenia based on the ACMG/AMP criteria applied, as specified by the ClinGen PD VCEP: PVS1, PP4_strong, PM2_supporting. (VCEP specifications version 2.1).

NM_000419.5(ITGA2B):c.832del (p.Asp278fs)

Gene: ITGA2B (integrin subunit alpha 2b; minus strand). Cytogenetic location: 17q21.31.
Variant type: Deletion.
Coding change: c.832del on transcript NM_000419.5 (MANE Select); coding-DNA position 832, one base deleted (G; older notation c.832delG).
Protein change: p.Asp278fs; shifts the reading frame from aspartic acid 278.
Molecular consequence: frameshift variant.
Genome position (GRCh38, 1-based): chr17:44,384,553, C deleted on the plus strand (G on the coding strand, the reverse complement: ITGA2B is on the minus strand); the first of 4 consecutive C bases (chr17:44,384,553-44,384,556); deleting any one gives the same sequence. VCF-style (leftmost placement, unchanged base first): chr17-44384552-TC-T. GRCh37 (hg19) VCF-style: chr17-42461920-TC-T.
Other names: NM_000419.5:c.832del; short protein forms D278fs.
Identifiers: ClinVar variation 1879035 (VCV001879035.1), dbSNP rs2510083326, ClinGen allele CA915940374.